The following is an entry in ClinVar:

NM_002439.5(MSH3):c.1739T>A (p.Val580Glu)

Gene: MSH3 (mutS homolog 3; plus strand). Cytogenetic location: 5q14.1.
Variant type: single nucleotide variant.
Coding change: c.1739T>A on transcript NM_002439.5 (MANE Select); coding-DNA position 1739, T replaced by A.
Protein change: p.Val580Glu; replaces valine 580 with glutamic acid.
Molecular consequence: missense variant.
Genome position (GRCh38, 1-based): chr5:80,744,591, T>A. VCF-style: chr5-80744591-T-A. GRCh37 (hg19) VCF-style: chr5-80040410-T-A.
Other names: short protein forms V580E.
Identifiers: ClinVar variation 3222248 (VCV003222248.1), dbSNP rs2546762080, ClinGen allele CA360274804.
Genomic context (GRCh38, chr5:80,744,591, plus strand): 5'-TGCTGTGGGTTTTAGACCACACTAAAACTTCATTTGGGAGACGGAAGTTAAAGAAGTGGG[T>A]GACCCAGCCACTCCTTAAATTAAGGTAAAAGGAATTCTTTTTGGGGTGTTTAATCTGAAA-3'
Protein context (NP_002430.3, residues 570-590): SFGRRKLKKW[Val580Glu]TQPLLKLREI

ClinVar aggregate classification (germline): Uncertain significance (1 of 4 stars; one submission).

Conditions:
Hereditary cancer-predisposing syndrome. Also called: Tumor predisposition; Hereditary neoplastic syndrome; Hereditary Cancer Syndrome; Neoplastic Syndromes, Hereditary. Identifiers: Orphanet 140162, MedGen C0027672, MeSH D009386, MONDO:0015356.

Submission:

Ambry Genetics
Classification: Uncertain significance for Hereditary cancer-predisposing syndrome. Last evaluated: 2023-11-09. Review status: criteria provided, single submitter. Criteria: Ambry Variant Classification Scheme 2023. Collection method: clinical testing. Allele origin: germline.
Comment: The p.V580E variant (also known as c.1739T>A), located in coding exon 12 of the MSH3 gene, results from a T to A substitution at nucleotide position 1739. The valine at codon 580 is replaced by glutamic acid, an amino acid with dissimilar properties. This amino acid position is conserved. In addition, this alteration is predicted to be deleterious by in silico analysis. Since supporting evidence is limited at this time, the clinical significance of this alteration remains unclear.